The following is an entry in ClinVar:

NM_004447.6(EPS8):c.1012G>A (p.Gly338Arg)

Gene: EPS8 (EGFR pathway substrate 8, signaling adaptor; minus strand). Cytogenetic location: 12p12.3.
Variant type: single nucleotide variant.
Coding change: c.1012G>A on transcript NM_004447.6 (MANE Select); coding-DNA position 1012, G replaced by A.
Protein change: p.Gly338Arg; replaces glycine 338 with arginine.
Molecular consequence: missense variant. On other transcripts: non-coding transcript variant (3).
Genome position (GRCh38, 1-based): chr12:15,658,511, C>T on the plus strand (G>A on the coding strand, the complement: EPS8 is on the minus strand). VCF-style: chr12-15658511-C-T. GRCh37 (hg19) VCF-style: chr12-15811445-C-T.
Other names: c.1012G>A, p.Gly338Arg (NM_001413831.1, NM_001413832.1, NM_001413833.1 and 2 more transcripts); c.772G>A, p.Gly258Arg (NM_001413835.1, NM_001413836.1); c.595G>A, p.Gly199Arg (NM_001413837.1); c.232G>A, p.Gly78Arg (NM_001413838.1); short protein forms G338R, G78R, G199R, G258R.
Identifiers: ClinVar variation 4984310 (VCV004984310.1).
Genomic context (GRCh38, chr12:15,658,511, plus strand): 5'-TTTTCCATTTATTTCTTCTAATTCTATATACATAAATTTCACTTACCAGAAGGTTAAATC[C>T]GTGTTTAAACTTTTGGAAACAGTCAAGAAATTCATCAGGAGGTGGAGGTTTTGCCCGCAG-3'
Protein context (NP_004438.3, residues 328-348): FLDCFQKFKH[Gly338Arg]FNLLAKLKSH

ClinVar aggregate classification (germline): Uncertain significance (1 of 4 stars; one submission).

Conditions:
EPS8-related disorder. Also called: EPS8-related condition.

gnomAD v4.1: 6 of 1,609,592 alleles (0.00037%); highest among the groups gnomAD compares: Non-Finnish European, 0.00051%; no homozygotes.

Submission:

PreventionGenetics, part of Exact Sciences
Classification: Uncertain significance for EPS8-related condition. Last evaluated: 2025-11-18. Review status: criteria provided, single submitter. Criteria: ACMG Guidelines, 2015. Collection method: clinical testing. Allele origin: germline.
Comment: The EPS8 c.1012G>A variant is predicted to result in the amino acid substitution p.Gly338Arg. To our knowledge, this variant has not been reported in the literature or in a large population database (gnomAD), indicating this variant is rare. At this time, the clinical significance of this variant is uncertain due to the absence of conclusive functional and genetic evidence.